The following is an entry in ClinVar:

ClinVar aggregate classification (germline): Uncertain significance. Review status: criteria provided, multiple submitters, no conflicts (2 of 4 stars). 2 submissions from 2 submitters: Uncertain significance (2). Last evaluated 2022-09-24.

Conditions:
Cardiovascular phenotype. Identifiers: MedGen CN230736.
Legius syndrome. Identifiers: Orphanet 137605, MedGen C1969623, MONDO:0012669, OMIM 611431. Disease mechanism: loss of function.

Submissions (2):

Ambry Genetics
Classification: Uncertain significance for Cardiovascular phenotype. Last evaluated: 2022-09-24. Review status: criteria provided, single submitter. Criteria: Ambry Variant Classification Scheme 2023. Collection method: clinical testing. Allele origin: germline.
Comment: The p.I253S variant (also known as c.758T>G), located in coding exon 7 of the SPRED1 gene, results from a T to G substitution at nucleotide position 758. The isoleucine at codon 253 is replaced by serine, an amino acid with dissimilar properties. This amino acid position is conserved. In addition, the in silico prediction for this alteration is inconclusive. Since supporting evidence is limited at this time, the clinical significance of this alteration remains unclear.

Labcorp Genetics (formerly Invitae), Labcorp
Classification: Uncertain significance for Legius syndrome. Last evaluated: 2022-05-29. Review status: criteria provided, single submitter. Criteria: Invitae Variant Classification Sherloc (09022015). Collection method: clinical testing. Allele origin: germline.
Comment: This variant has not been reported in the literature in individuals affected with SPRED1-related conditions. This sequence change replaces isoleucine, which is neutral and non-polar, with serine, which is neutral and polar, at codon 253 of the SPRED1 protein (p.Ile253Ser). This variant is not present in population databases (gnomAD no frequency). Algorithms developed to predict the effect of missense changes on protein structure and function are either unavailable or do not agree on the potential impact of this missense change (SIFT: "Deleterious"; PolyPhen-2: "Possibly Damaging"; Align-GVGD: "Class C0"). In summary, the available evidence is currently insufficient to determine the role of this variant in disease. Therefore, it has been classified as a Variant of Uncertain Significance.

NM_152594.3(SPRED1):c.758T>G (p.Ile253Ser)

Gene: SPRED1 (sprouty related EVH1 domain containing 1; plus strand). Cytogenetic location: 15q14.
Variant type: single nucleotide variant.
Coding change: c.758T>G on transcript NM_152594.3 (MANE Select); coding-DNA position 758, T replaced by G.
Protein change: p.Ile253Ser; replaces isoleucine 253 with serine.
Molecular consequence: missense variant.
Genome position (GRCh38, 1-based): chr15:38,351,087, T>G. VCF-style: chr15-38351087-T-G. GRCh37 (hg19) VCF-style: chr15-38643288-T-G.
Other names: short protein forms I253S.
Identifiers: ClinVar variation 1759658 (VCV001759658.7), dbSNP rs1187107780, ClinGen allele CA391933177.